The following is an entry in ClinVar:

NM_000069.3(CACNA1S):c.2854-2A>C

Gene: CACNA1S (calcium voltage-gated channel subunit alpha1 S; minus strand). Cytogenetic location: 1q32.1.
Variant type: single nucleotide variant.
Coding change: c.2854-2A>C on transcript NM_000069.3 (MANE Select); the canonical splice acceptor site of the intron before coding-DNA position 2854, A replaced by C.
Molecular consequence: splice acceptor variant.
Genome position (GRCh38, 1-based): chr1:201,062,516, T>G on the plus strand (A>C on the coding strand, the complement: CACNA1S is on the minus strand). VCF-style: chr1-201062516-T-G. GRCh37 (hg19) VCF-style: chr1-201031644-T-G.
Identifiers: ClinVar variation 653974 (VCV000653974.7), dbSNP rs1572036396, ClinGen allele CA344164754.

ClinVar aggregate classification (germline): Likely pathogenic (1 of 4 stars; one submission).

Conditions:
Malignant hyperthermia, susceptibility to, 5 (MHS5). Also called: CACNA1S-Related Malignant Hyperthermia Susceptibility. Identifiers: Orphanet 423, MedGen C1866077, MONDO:0011163, OMIM 601887.
Hypokalemic periodic paralysis, type 1. Also called: HypoPP; Hypokalemic Periodic Paralysis Type 1 (AD). Identifiers: Orphanet 681, MedGen C3714580, MONDO:0042979, OMIM 170400.

Submission:

Labcorp Genetics (formerly Invitae), Labcorp
Classification: Likely pathogenic for Hypokalemic periodic paralysis, type 1; Malignant hyperthermia, susceptibility to, 5. Last evaluated: 2020-12-16. Review status: criteria provided, single submitter. Criteria: Invitae Variant Classification Sherloc (09022015). Collection method: clinical testing. Allele origin: germline.
Comment: This variant has not been reported in the literature in individuals with CACNA1S-related conditions. In summary, the currently available evidence indicates that the variant is pathogenic, but additional data are needed to prove that conclusively. Therefore, this variant has been classified as Likely Pathogenic. Donor and acceptor splice site variants typically lead to a loss of protein function (PMID: 16199547), and loss-of-function variants in CACNA1S are known to be pathogenic (PMID: 26247046, 28012042). Algorithms developed to predict the effect of sequence changes on RNA splicing suggest that this variant may disrupt the consensus splice site, but this prediction has not been confirmed by published transcriptional studies. This variant is not present in population databases (ExAC no frequency). This sequence change affects an acceptor splice site in intron 22 of the CACNA1S gene. It is expected to disrupt RNA splicing and likely results in an absent or disrupted protein product.

Literature cited by the submitters: PubMed 16199547; PubMed 26247046; PubMed 28012042.